The following is an entry in ClinVar:

ClinVar aggregate classification (germline): Uncertain significance. Review status: criteria provided, single submitter (1 of 4 stars). 2 submissions from 2 submitters: Uncertain significance (1). 1 of the submissions does not count toward it. Last evaluated 2020-09-09.

Conditions:
Maple syrup urine disease type 1B (MSUD1B). Also called: MSUD type IB; MSUD type 3 (formerly); MSUD due to deficiency of e1-beta subunit of branched-chain alpha-keto acid dehydrogenase complex. Identifiers: MedGen C2930990, MONDO:0023692, OMIM 620698.
Maple syrup urine disease (MSUD). Identifiers: Orphanet 511, MedGen C0024776, MeSH D008375, MONDO:0009563. Disease mechanism: loss of function.

Allele frequency attached by ClinVar (database versions not stated): gnomAD exomes 0.00001; TOPMed 0.00001; ExAC 0.00002; ESP Exome Variant Server 0.00008.
gnomAD v4.1: 7 of 1,612,844 alleles (0.00043%); highest among the groups gnomAD compares: Non-Finnish European, 0.00059%; no homozygotes.

Submissions (2):

Labcorp Genetics (formerly Invitae), Labcorp
Classification: Uncertain significance for Maple syrup urine disease. Last evaluated: 2020-09-09. Review status: criteria provided, single submitter. Criteria: Invitae Variant Classification Sherloc (09022015). Collection method: clinical testing. Allele origin: germline.
Comment: This variant has not been reported in the literature in individuals with BCKDHB-related conditions. This variant disrupts the p.Asp88 amino acid residue in BCKDHB. Other variant(s) that disrupt this residue have been observed in individuals with BCKDHB-related conditions (PMID: 30228974), which suggests that this may be a clinically significant amino acid residue. In summary, the available evidence is currently insufficient to determine the role of this variant in disease. Therefore, it has been classified as a Variant of Uncertain Significance. This variant is present in population databases (rs374253889, ExAC 0.003%). This sequence change replaces aspartic acid with valine at codon 88 of the BCKDHB protein (p.Asp88Val). The aspartic acid residue is highly conserved and there is a large physicochemical difference between aspartic acid and valine.

Natera, Inc.
Classification: Uncertain significance for Maple syrup urine disease type 1B. Last evaluated: 2020-09-16. Review status: no assertion criteria provided. Collection method: clinical testing. Allele origin: germline. Not counted in ClinVar's aggregate classification.

Literature cited by the submitters: PubMed 30228974 (cited by Labcorp Genetics (formerly Invitae), Labcorp).

NM_183050.4(BCKDHB):c.263A>T (p.Asp88Val)

Gene: BCKDHB (branched chain keto acid dehydrogenase E1 subunit beta; plus strand). Cytogenetic location: 6q14.1.
Variant type: single nucleotide variant.
Coding change: c.263A>T on transcript NM_183050.4 (MANE Select); coding-DNA position 263, A replaced by T.
Protein change: p.Asp88Val; replaces aspartic acid 88 with valine.
Molecular consequence: missense variant. On other transcripts: non-coding transcript variant (1).
Genome position (GRCh38, 1-based): chr6:80,127,613, A>T. VCF-style: chr6-80127613-A-T. GRCh37 (hg19) VCF-style: chr6-80837330-A-T.
Other names: c.263A>T, p.Asp88Val (NM_000056.5); c.53A>T, p.Asp18Val (NM_001318975.1); short protein forms D18V, D88V.
Identifiers: ClinVar variation 844352 (VCV000844352.11), dbSNP rs374253889, ClinGen allele CA3902553.